The following is an entry in ClinVar:

NM_007078.3(LDB3):c.2074G>A (p.Asp692Asn)

Gene: LDB3 (LIM domain binding 3; plus strand). Cytogenetic location: 10q23.2.
Variant type: single nucleotide variant.
Coding change: c.2074G>A on transcript NM_007078.3 (MANE Select); coding-DNA position 2074, G replaced by A.
Protein change: p.Asp692Asn; replaces aspartic acid 692 with asparagine.
Molecular consequence: missense variant.
Genome position (GRCh38, 1-based): chr10:86,726,232, G>A. VCF-style: chr10-86726232-G-A. GRCh37 (hg19) VCF-style: chr10-88485989-G-A.
Other names: c.1744G>A, p.Asp582Asn (NM_001080114.2); c.2089G>A, p.Asp697Asn (NM_001171610.2); c.1885G>A, p.Asp629Asn (NM_001368064.1, NM_001368065.1); c.1933G>A, p.Asp645Asn (NM_001368066.1); short protein forms D582N, D692N, D629N, D645N, D697N.
Identifiers: ClinVar variation 972216 (VCV000972216.11), dbSNP rs754529329, ClinGen allele CA5585311.
Genomic context (GRCh38, chr10:86,726,232, plus strand): 5'-TGCGATTTCCCCGTGGAGGCTGGCGACAAGTTTATCGAAGCCCTGGGCCACACTTGGCAC[G>A]ACACCTGCTTCATTTGCGCAGTATGTCTCTAGCTTGGGGCTCTGGCTTTCTGAGAAGAGG-3'
Protein context (NP_009009.1, residues 682-702): FIEALGHTWH[Asp692Asn]TCFICAVCHV

ClinVar aggregate classification (germline): Uncertain significance. Review status: criteria provided, multiple submitters, no conflicts (2 of 4 stars). 2 submissions from 2 submitters: Uncertain significance (2). Last evaluated 2025-11-26.

Conditions:
Cardiovascular phenotype. Identifiers: MedGen CN230736.
Myofibrillar myopathy 4. Also called: Zaspopathy (type). Identifiers: Orphanet 98912, MedGen C4721886, MONDO:0012277, OMIM 609452.

Allele frequency attached by ClinVar (database versions not stated): gnomAD 0.00001; gnomAD exomes 0.00001 and 0.00002; TOPMed 0.00001; ExAC 0.00002.
gnomAD v4.1: 9 of 1,613,868 alleles (0.00056%); highest among the groups gnomAD compares: Admixed American, 0.0017%; no homozygotes.

Submissions (2):

Labcorp Genetics (formerly Invitae), Labcorp
Classification: Uncertain significance for Myofibrillar myopathy 4. Last evaluated: 2025-11-26. Review status: criteria provided, single submitter. Criteria: Invitae Variant Classification Sherloc (09022015). Collection method: clinical testing. Allele origin: germline.
Comment: The LDB3 gene has multiple clinically relevant transcripts. This variant occurs in alternate transcript NM_007078.3, and corresponds to NM_001080116.1:c.*26858G>A in the primary transcript. This sequence change replaces aspartic acid, which is acidic and polar, with asparagine, which is neutral and polar, at codon 692 of the LDB3 protein (p.Asp692Asn). This variant is present in population databases (rs754529329, gnomAD 0.006%). This variant has not been reported in the literature in individuals affected with LDB3-related conditions. Experimental studies and prediction algorithms are not available or were not evaluated, and the functional significance of this variant is currently unknown. In summary, the available evidence is currently insufficient to determine the role of this variant in disease. Therefore, it has been classified as a Variant of Uncertain Significance.

Ambry Genetics
Classification: Uncertain significance for Cardiovascular phenotype. Last evaluated: 2023-05-23. Review status: criteria provided, single submitter. Criteria: Ambry Variant Classification Scheme 2023. Collection method: clinical testing. Allele origin: germline.
Comment: The p.D692N variant (also known as c.2074G>A), located in coding exon 12 of the LDB3 gene, results from a G to A substitution at nucleotide position 2074. The aspartic acid at codon 692 is replaced by asparagine, an amino acid with highly similar properties. This amino acid position is highly conserved in available vertebrate species. In addition, the in silico prediction for this alteration is inconclusive. Since supporting evidence is limited at this time, the clinical significance of this alteration remains unclear.